The following is an entry in ClinVar:

ClinVar aggregate classification (germline): Uncertain significance. Review status: criteria provided, multiple submitters, no conflicts (2 of 4 stars). 3 submissions from 3 submitters: Uncertain significance (3). Last evaluated 2026-04-23.

Conditions:
Inborn genetic diseases. Identifiers: MedGen C0950123, MeSH D030342.
PROM1-related disorder. Also called: PROM1-related disorders; PROM1-related condition.

Allele frequency attached by ClinVar (database versions not stated): gnomAD 0.00001 and 0.00002; gnomAD exomes 0.00003; TOPMed 0.00003; ExAC 0.00009; 1000 Genomes Project 30x 0.00016; 1000 Genomes Project 0.00020.
gnomAD v4.1: 27 of 1,498,692 alleles (0.0018%); highest among the groups gnomAD compares: South Asian, 0.0099%; no homozygotes.

Submissions (3):

PreventionGenetics, part of Exact Sciences
Classification: Uncertain significance for PROM1-related condition. Last evaluated: 2026-04-23. Review status: criteria provided, single submitter. Criteria: ACMG Guidelines, 2015. Collection method: clinical testing. Allele origin: germline.
Comment: The PROM1 c.247G>A variant is predicted to result in the amino acid substitution p.Ala83Thr. To our knowledge, this variant has not been reported in the literature. This variant is reported in 0.018% of alleles in individuals of East Asian descent in gnomAD. At this time, the clinical significance of this variant is uncertain due to the absence of conclusive functional and genetic evidence.

Labcorp Genetics (formerly Invitae), Labcorp
Classification: Uncertain significance. Last evaluated: 2024-04-15. Review status: criteria provided, single submitter. Criteria: Invitae Variant Classification Sherloc (09022015). Collection method: clinical testing. Allele origin: germline.
Comment: This sequence change replaces alanine, which is neutral and non-polar, with threonine, which is neutral and polar, at codon 83 of the PROM1 protein (p.Ala83Thr). The frequency data for this variant in the population databases is considered unreliable, as metrics indicate poor data quality at this position in the gnomAD database. This variant has not been reported in the literature in individuals affected with PROM1-related conditions. ClinVar contains an entry for this variant (Variation ID: 938290). Advanced modeling of protein sequence and biophysical properties (such as structural, functional, and spatial information, amino acid conservation, physicochemical variation, residue mobility, and thermodynamic stability) performed at Invitae indicates that this missense variant is not expected to disrupt PROM1 protein function with a negative predictive value of 80%. In summary, the available evidence is currently insufficient to determine the role of this variant in disease. Therefore, it has been classified as a Variant of Uncertain Significance.

Ambry Genetics
Classification: Uncertain significance for Inborn genetic diseases. Last evaluated: 2023-05-09. Review status: criteria provided, single submitter. Criteria: Ambry Variant Classification Scheme 2023. Collection method: clinical testing. Allele origin: germline.

NM_006017.3(PROM1):c.247G>A (p.Ala83Thr)

Gene: PROM1 (prominin 1; minus strand). Cytogenetic location: 4p15.32.
Variant type: single nucleotide variant.
Coding change: c.247G>A on transcript NM_006017.3 (MANE Select); coding-DNA position 247, G replaced by A.
Protein change: p.Ala83Thr; replaces alanine 83 with threonine.
Molecular consequence: missense variant.
Genome position (GRCh38, 1-based): chr4:16,038,975, C>T on the plus strand (G>A on the coding strand, the complement: PROM1 is on the minus strand). VCF-style: chr4-16038975-C-T. GRCh37 (hg19) VCF-style: chr4-16040598-C-T.
Other names: c.247G>A, p.Ala83Thr (NM_001145847.2, NM_001145848.2, NM_001145849.2 and 6 more transcripts); short protein forms A83T.
Identifiers: ClinVar variation 938290 (VCV000938290.12), dbSNP rs200528560, ClinGen allele CA2867135.